The following is an entry in ClinVar:

NM_004364.5(CEBPA):c.595_596delinsTT (p.Ala199Leu)

Gene: CEBPA (CCAAT enhancer binding protein alpha; minus strand). Cytogenetic location: 19q13.11.
Variant type: Indel.
Coding change: c.595_596delinsTT on transcript NM_004364.5 (MANE Select); coding-DNA positions 595 to 596, GC replaced by TT.
Protein change: p.Ala199Leu; replaces alanine 199 with leucine.
Molecular consequence: missense variant.
Genome position (GRCh38, 1-based): chr19:33,301,819-33,301,820, GC replaced by AA on the plus strand (GC replaced by TT on the coding strand, the reverse complement: CEBPA is on the minus strand). VCF-style: chr19-33301819-GC-AA. GRCh37 (hg19) VCF-style: chr19-33792725-GC-AA.
Other names: c.595_596delGCinsTT (NM_004364.4, NM_004364.3); c.238_239delinsTT, p.Ala80Leu (NM_001285829.2); c.700_701delinsTT, p.Ala234Leu (NM_001287424.2); c.553_554delinsTT, p.Ala185Leu (NM_001287435.2); c.595_596delinsTT (NM_004364.3); short protein forms A185L, A80L, A199L, A234L.
Identifiers: ClinVar variation 408745 (VCV000408745.15), dbSNP rs1060502118, ClinGen allele CA16616258.

ClinVar aggregate classification (germline): Uncertain significance. Review status: criteria provided, multiple submitters, no conflicts (2 of 4 stars). 5 submissions from 5 submitters: Uncertain significance (4). 1 of the submissions does not count toward it. Last evaluated 2025-02-10.

Conditions:
Inborn genetic diseases. Identifiers: MedGen C0950123, MeSH D030342.
CEBPA-related disorder. Also called: CEBPA-related condition.
Acute myeloid leukemia (AML). Also called: Leukemia, acute myeloid, somatic; Leukemia, acute myelogenous, somatic; Acute myeloid leukemia, adult; AML adult; Acute non-lymphocytic leukemia; Acute granulocytic leukemia. Identifiers: Orphanet 519, MedGen C0023467, MeSH D015470, MONDO:0018874, OMIM 601626, HP:0004808. Disease mechanism: Constitutively activated FLT3.

Submissions (5):

Ambry Genetics
Classification: Uncertain significance for Inborn genetic diseases. Last evaluated: 2025-02-10. Review status: criteria provided, single submitter. Criteria: Ambry Variant Classification Scheme 2023. Collection method: clinical testing. Allele origin: germline.
Comment: The c.595_596delGCinsTT variant (also known as p.A199L), located in coding exon 1 of the CEBPA gene, results from an in-frame deletion of GC and insertion of TT at nucleotide positions 595 to 596. This results in the substitution of the alanine residue for a leucine residue at codon 199, an amino acid with similar properties. This variant was reported in an individual with acute myeloid leukemia (Bienz M et al. Clin Cancer Res, 2005 Feb;11:1416-24). This amino acid position is not well conserved in available vertebrate species. In addition, this alteration is predicted to be neutral by in silico analysis (Choi Y et al. PLoS ONE. 2012; 7(10):e46688). Since supporting evidence is limited at this time, the clinical significance of this alteration remains unclear.

GeneDx
Classification: Uncertain significance. Last evaluated: 2024-05-24. Review status: criteria provided, single submitter. Criteria: GeneDx Variant Classification Process June 2021. Collection method: clinical testing. Allele origin: germline. Affected: yes.
Comment: Not observed at significant frequency in large population cohorts (gnomAD); In silico analysis indicates that this variant does not alter protein structure/function; Observed in a patient with acute myeloid leukemia (PMID: 18768433); This variant is associated with the following publications: (PMID: 21455213, 18768433)

Baylor Genetics
Classification: Uncertain significance for Acute myeloid leukemia. Last evaluated: 2023-09-15. Review status: criteria provided, single submitter. Criteria: ACMG Guidelines, 2015. Collection method: clinical testing. Allele origin: unknown.

Labcorp Genetics (formerly Invitae), Labcorp
Classification: Uncertain significance for Acute myeloid leukemia. Last evaluated: 2023-07-12. Review status: criteria provided, single submitter. Criteria: Invitae Variant Classification Sherloc (09022015). Collection method: clinical testing. Allele origin: germline.
Comment: This missense change has been observed in individual(s) with acute myeloid leukemia (PMID: 18768433). This variant is present in population databases (no rsID available, gnomAD 0.004%). This sequence change replaces alanine, which is neutral and non-polar, with leucine, which is neutral and non-polar, at codon 199 of the CEBPA protein (p.Ala199Leu). In summary, the available evidence is currently insufficient to determine the role of this variant in disease. Therefore, it has been classified as a Variant of Uncertain Significance. An algorithm developed to predict the effect of missense changes on protein structure and function (PolyPhen-2) suggests that this variant is likely to be tolerated. ClinVar contains an entry for this variant (Variation ID: 408745). This variant is also known as 744-745GC>TT.

PreventionGenetics, part of Exact Sciences
Classification: Uncertain significance for CEBPA-related condition. Last evaluated: 2024-03-12. Review status: no assertion criteria provided. Collection method: clinical testing. Allele origin: germline. Not counted in ClinVar's aggregate classification.
Comment: The CEBPA c.595_596delinsTT variant is predicted to result in an in-frame deletion and insertion. To our knowledge, this variant has not been reported in the literature or in a large population database, indicating this variant is rare. This variant is classified as variant of uncertain significance in Clinvar. At this time, the clinical significance of this variant is uncertain due to the absence of conclusive functional and genetic evidence.

Literature cited by the submitters: PubMed 15746041 (cited by Ambry Genetics); PubMed 18768433 (cited by Labcorp Genetics (formerly Invitae), Labcorp).